The following is an entry in ClinVar:

ClinVar aggregate classification (germline): Conflicting classifications of pathogenicity. Review status: criteria provided, conflicting classifications (1 of 4 stars). 2 submissions from 2 submitters: Likely pathogenic (1); Uncertain significance (1). Last evaluated 2024-10-18.

Conditions:
SOX10-related disorder. Also called: SOX10-related condition.

Submissions (2):

Blueprint Genetics
Classification: Likely pathogenic for SOX10-related disorders. Last evaluated: 2024-10-18. Review status: criteria provided, single submitter. Criteria: ACMG Guidelines, 2015. Collection method: clinical testing. Allele origin: de novo. Affected: yes. Observed: 1 variant allele.

GeneDx
Classification: Uncertain significance. Last evaluated: 2023-12-28. Review status: criteria provided, single submitter. Criteria: GeneDx Variant Classification Process June 2021. Collection method: clinical testing. Allele origin: germline. Affected: yes.
Comment: Not observed at significant frequency in large population cohorts (gnomAD); In silico analysis supports that this missense variant has a deleterious effect on protein structure/function; Has not been previously published as pathogenic or benign to our knowledge

NM_006941.4(SOX10):c.337G>A (p.Val113Met)

Genes: POLR2F (RNA polymerase II, I and III subunit F; plus strand), SOX10 (SRY-box transcription factor 10; minus strand). Cytogenetic location: 22q13.1.
Variant type: single nucleotide variant.
Coding change: c.337G>A on transcript NM_006941.4 (MANE Select); coding-DNA position 337, G replaced by A.
Protein change: p.Val113Met; replaces valine 113 with methionine.
Molecular consequence: missense variant. On other transcripts: intron variant (3).
Genome position (GRCh38, 1-based): chr22:37,983,448, C>T on the plus strand (G>A on the coding strand, the complement: SOX10 is on the minus strand). VCF-style: chr22-37983448-C-T. GRCh37 (hg19) VCF-style: chr22-38379455-C-T.
Other names: c.*38+11138C>T (NM_001363825.1); c.294-2706C>T (NM_001301130.2); c.293+16278C>T (NM_001301131.2); short protein forms V113M.
Identifiers: ClinVar variation 3367344 (VCV003367344.2).